The following is an entry in ClinVar:

ClinVar aggregate classification (germline): Uncertain significance (1 of 4 stars; one submission).

Conditions:
Hereditary nonpolyposis colorectal neoplasms. Identifiers: MedGen C0009405, MeSH D003123.

Submission:

Labcorp Genetics (formerly Invitae), Labcorp
Classification: Uncertain significance for Hereditary nonpolyposis colorectal neoplasms. Last evaluated: 2024-07-19. Review status: criteria provided, single submitter. Criteria: Invitae Variant Classification Sherloc (09022015). Collection method: clinical testing. Allele origin: germline.
Comment: This sequence change replaces threonine, which is neutral and polar, with proline, which is neutral and non-polar, at codon 124 of the PMS2 protein (p.Thr124Pro). This variant is not present in population databases (gnomAD no frequency). This variant has not been reported in the literature in individuals affected with PMS2-related conditions. Advanced modeling of protein sequence and biophysical properties (such as structural, functional, and spatial information, amino acid conservation, physicochemical variation, residue mobility, and thermodynamic stability) performed at Invitae indicates that this missense variant is expected to disrupt PMS2 protein function with a positive predictive value of 80%. In summary, the available evidence is currently insufficient to determine the role of this variant in disease. Therefore, it has been classified as a Variant of Uncertain Significance.

NM_000535.7(PMS2):c.370A>C (p.Thr124Pro)

Gene: PMS2 (PMS1 homolog 2, mismatch repair system component; minus strand). Cytogenetic location: 7p22.1.
Variant type: single nucleotide variant.
Coding change: c.370A>C on transcript NM_000535.7 (MANE Select); coding-DNA position 370, A replaced by C.
Protein change: p.Thr124Pro; replaces threonine 124 with proline.
Molecular consequence: missense variant. On other transcripts: 5 prime UTR variant (29), non-coding transcript variant (1), intron variant (1).
Genome position (GRCh38, 1-based): chr7:6,002,620, T>G on the plus strand (A>C on the coding strand, the complement: PMS2 is on the minus strand). VCF-style: chr7-6002620-T-G. GRCh37 (hg19) VCF-style: chr7-6042251-T-G.
Other names: c.-36A>C (NM_001406888.1, NM_001406889.1, NM_001406890.1 and 24 more transcripts); c.61A>C, p.Thr21Pro (NM_001406900.1, NM_001406877.1, NM_001406878.1 and 6 more transcripts); c.52A>C, p.Thr18Pro (NM_001406901.1, NM_001406902.1, NM_001406903.1 and 4 more transcripts); c.370A>C, p.Thr124Pro (NM_001406912.1, NM_001406884.1, NM_001406886.1 and 8 more transcripts); c.250+1352A>C (NM_001406885.1); c.-515A>C (NM_001322011.2, NM_001322012.2); c.556A>C, p.Thr186Pro (NM_001406866.1); c.394A>C, p.Thr132Pro (NM_001406868.1); short protein forms T18P, T132P, T21P, T124P, T186P.
Identifiers: ClinVar variation 3659880 (VCV003659880.2).